The following is an entry in ClinVar:

ClinVar aggregate classification (germline): Pathogenic (1 of 4 stars; one submission).

Conditions:
EPILEPSY, CHILDHOOD ABSENCE, SUSCEPTIBILITY TO, 2 (ECA2). Identifiers: Orphanet 64280, MedGen C1843244, OMIM 607681.
Febrile seizures, familial, 8 (FEB8). Also called: CONVULSIONS, FAMILIAL FEBRILE, 8. Identifiers: Orphanet 36387, MedGen C1969810, MONDO:0011891, OMIM 607681.

Allele frequency attached by ClinVar (database versions not stated): gnomAD exomes below 0.00001.
gnomAD v4.1: 1 of 1,613,610 alleles (0.000062%); highest among the groups gnomAD compares: Non-Finnish European, 0.000085%; no homozygotes.

Submission:

Labcorp Genetics (formerly Invitae), Labcorp
Classification: Pathogenic for Febrile seizures, familial, 8; EPILEPSY, CHILDHOOD ABSENCE, SUSCEPTIBILITY TO, 2. Last evaluated: 2024-02-07. Review status: criteria provided, single submitter. Criteria: Invitae Variant Classification Sherloc (09022015). Collection method: clinical testing. Allele origin: germline.
Comment: This sequence change falls in intron 8 of the GABRG2 gene. It does not directly change the encoded amino acid sequence of the GABRG2 protein. It affects a nucleotide within the consensus splice site. This variant is not present in population databases (gnomAD no frequency). This variant has been observed in individual(s) with clinical features of developmental and epileptic encephalopathy (Invitae). In at least one individual the variant was observed to be de novo. Variants that disrupt the consensus splice site are a relatively common cause of aberrant splicing (PMID: 17576681, 9536098). Algorithms developed to predict the effect of sequence changes on RNA splicing suggest that this variant may disrupt the consensus splice site. For these reasons, this variant has been classified as Pathogenic.

Literature cited by the submitters: PubMed 17576681; PubMed 9536098.

NM_198904.4(GABRG2):c.1128+6T>C

Gene: GABRG2 (gamma-aminobutyric acid type A receptor subunit gamma2; plus strand). Cytogenetic location: 5q34.
Variant type: single nucleotide variant.
Coding change: c.1128+6T>C on transcript NM_198904.4 (MANE Select); 6 bases into the intron after coding-DNA position 1128, T replaced by C.
Molecular consequence: intron variant.
Genome position (GRCh38, 1-based): chr5:162,149,319, T>C. VCF-style: chr5-162149319-T-C. GRCh37 (hg19) VCF-style: chr5-161576325-T-C.
Other names: c.843+6T>C (NM_001375349.1); c.1248+6T>C (NM_001375343.1, NM_198903.2); c.1167+6T>C (NM_001375344.1); c.923-2411T>C (NM_001375340.1); c.1125+6T>C (NM_001375341.1, NM_001375342.1); c.708+6T>C (NM_001375350.1, NM_001375348.1); c.1119+6T>C (NM_001375339.1); c.1062+6T>C (NM_001375346.1, NM_001375345.1); and 2 more.
Identifiers: ClinVar variation 2948614 (VCV002948614.3), dbSNP rs2532757119, ClinGen allele CA2676329348.
Genomic context (GRCh38, chr5:162,149,319, plus strand): 5'-TTTTGTCAGCAACCGGAAACCAAGCAAGGACAAAGATAAAAAGAAGAAAAACCCTGTATG[T>C]ATCATTTTCCATTGGCACCATTGAAATTTTTATGATTTCGGTTTAGTTTGTTTTCATTAG-3'